The following is an entry in ClinVar:

NM_198129.4(LAMA3):c.5560G>T (p.Ala1854Ser)

Gene: LAMA3 (laminin subunit alpha 3; plus strand). Cytogenetic location: 18q11.2.
Variant type: single nucleotide variant.
Coding change: c.5560G>T on transcript NM_198129.4 (MANE Select); coding-DNA position 5560, G replaced by T.
Protein change: p.Ala1854Ser; replaces alanine 1854 with serine.
Molecular consequence: missense variant.
Genome position (GRCh38, 1-based): chr18:23,895,005, G>T. VCF-style: chr18-23895005-G-T. GRCh37 (hg19) VCF-style: chr18-21474969-G-T.
Other names: c.733G>T, p.Ala245Ser (NM_000227.6, NM_001127718.4); c.5560G>T, p.Ala1854Ser (NM_001127717.4); short protein forms A1854S, A245S.
Identifiers: ClinVar variation 2318732 (VCV002318732.3), dbSNP rs778590407, ClinGen allele CA8916095.

ClinVar aggregate classification (germline): Uncertain significance. Review status: criteria provided, multiple submitters, no conflicts (2 of 4 stars). 2 submissions from 2 submitters: Uncertain significance (2). Last evaluated 2025-04-18.

Conditions:
Inborn genetic diseases. Identifiers: MedGen C0950123, MeSH D030342.

gnomAD v4.1: 12 of 1,612,618 alleles (0.00074%); highest among the groups gnomAD compares: African/African-American, 0.0053%; no homozygotes.

Submissions (2):

Labcorp Genetics (formerly Invitae), Labcorp
Classification: Uncertain significance. Last evaluated: 2025-04-18. Review status: criteria provided, single submitter. Criteria: Invitae Variant Classification Sherloc (09022015). Collection method: clinical testing. Allele origin: germline.
Comment: This sequence change replaces alanine, which is neutral and non-polar, with serine, which is neutral and polar, at codon 245 of the LAMA3 protein (p.Ala245Ser). This variant is present in population databases (rs778590407, gnomAD 0.01%). This variant has not been reported in the literature in individuals affected with LAMA3-related conditions. ClinVar contains an entry for this variant (Variation ID: 2318732). Invitae Evidence Modeling of protein sequence and biophysical properties (such as structural, functional, and spatial information, amino acid conservation, physicochemical variation, residue mobility, and thermodynamic stability) indicates that this missense variant is not expected to disrupt LAMA3 protein function with a negative predictive value of 80%. In summary, the available evidence is currently insufficient to determine the role of this variant in disease. Therefore, it has been classified as a Variant of Uncertain Significance.

Ambry Genetics
Classification: Uncertain significance for Inborn genetic diseases. Last evaluated: 2022-10-12. Review status: criteria provided, single submitter. Criteria: Ambry Variant Classification Scheme 2023. Collection method: clinical testing. Allele origin: germline.